The following is an entry in ClinVar:

NM_001134831.2(AHI1):c.710dup (p.Lys238fs)

Gene: AHI1 (Abelson helper integration site 1; minus strand). Cytogenetic location: 6q23.3.
Variant type: Duplication.
Coding change: c.710dup on transcript NM_001134831.2 (MANE Select); coding-DNA position 710, one base duplicated (A; older notation c.710dupA).
Protein change: p.Lys238fs; shifts the reading frame from lysine 238.
Molecular consequence: frameshift variant.
Genome position (GRCh38, 1-based): chr6:135,465,853, T duplicated on the plus strand (A on the coding strand, the reverse complement: AHI1 is on the minus strand); the first of 5 consecutive T bases (chr6:135,465,853-135,465,857); duplicating any one gives the same sequence. VCF-style (leftmost placement, unchanged base first): chr6-135465852-C-CT. GRCh37 (hg19) VCF-style: chr6-135786990-C-CT.
Other names: c.710dup, p.Lys238fs (NM_001134830.2, NM_001134832.2, NM_001350503.2 and 2 more transcripts); short protein forms K238fs.
Identifiers: ClinVar variation 5015343 (VCV005015343.1).

ClinVar aggregate classification (germline): Pathogenic (1 of 4 stars; one submission).

Conditions:
Joubert syndrome 3 (JBTS3). Also called: AHI1-related Ciliopathy. Identifiers: Orphanet 220493, MedGen C1837713, MONDO:0012078, OMIM 608629.

Submission:

Myriad Genetics, Inc.
Classification: Pathogenic for Joubert syndrome 3. Last evaluated: 2025-12-19. Review status: criteria provided, single submitter. Criteria: Myriad Autosomal Dominant, Autosomal Recessive and X-Linked Classification Criteria (2023). Collection method: clinical testing. Allele origin: unknown.
Comment: NM_001134831.1(AHI1):c.710dupA(K238Efs*9) is expected to be pathogenic in the context of Joubert syndrome, AHI1-related. This variant is predicted to lead to an abnormal or absent protein product due to the creation of a premature termination codon in AHI1, a gene where loss-of-function variants are known to be pathogenic. Please note: this variant was assessed in the context of healthy population screening.